The following is an entry in ClinVar:

ClinVar aggregate classification (germline): Uncertain significance (1 of 4 stars; one submission).

Conditions:
Inborn genetic diseases. Identifiers: MedGen C0950123, MeSH D030342.

Submission:

Ambry Genetics
Classification: Uncertain significance for Inborn genetic diseases. Last evaluated: 2026-02-13. Review status: criteria provided, single submitter. Criteria: Ambry Variant Classification Scheme 2023. Collection method: clinical testing. Allele origin: germline.
Comment: The p.A1007V variant (also known as c.3020C>T), located in coding exon 23 of the BUB1B gene, results from a C to T substitution at nucleotide position 3020. The alanine at codon 1007 is replaced by valine, an amino acid with similar properties. This amino acid position is conserved. In addition, this alteration is predicted to be tolerated by in silico analysis. Based on the available evidence, the clinical significance of this variant remains unclear.

NM_001211.6(BUB1B):c.3020C>T (p.Ala1007Val)

Genes: BUB1B (BUB1 mitotic checkpoint serine/threonine kinase B; plus strand), BUB1B-PAK6 (BUB1B-PAK6 readthrough; plus strand). Cytogenetic location: 15q15.1.
Variant type: single nucleotide variant.
Coding change: c.3020C>T on transcript NM_001211.6 (MANE Select); coding-DNA position 3020, C replaced by T.
Protein change: p.Ala1007Val; replaces alanine 1007 with valine.
Molecular consequence: missense variant. On other transcripts: intron variant (2).
Genome position (GRCh38, 1-based): chr15:40,220,626, C>T. VCF-style: chr15-40220626-C-T. GRCh37 (hg19) VCF-style: chr15-40512827-C-T.
Other names: c.-201+2959C>T (NM_001128628.3); c.-118+2959C>T (NM_001128629.3); short protein forms A1007V.
Identifiers: ClinVar variation 4824242 (VCV004824242.1).
Genomic context (GRCh38, chr15:40,220,626, plus strand): 5'-TAAAAGATGGTGAATTGTGGAATAAATTCTTTGTGCGGATTCTGAATGCCAATGATGAGG[C>T]CACAGTGTCTGTTCTTGGGGAGCTTGCAGCAGAAATGAATGGGGTTTTTGACACTACATT-3'
Protein context (NP_001202.5, residues 997-1017): FVRILNANDE[Ala1007Val]TVSVLGELAA